The following is an entry in ClinVar:

NM_005687.5(FARSB):c.848C>T (p.Thr283Met)

Gene: FARSB (phenylalanyl-tRNA synthetase subunit beta; minus strand). Cytogenetic location: 2q36.1.
Variant type: single nucleotide variant.
Coding change: c.848C>T on transcript NM_005687.5 (MANE Select); coding-DNA position 848, C replaced by T.
Protein change: p.Thr283Met; replaces threonine 283 with methionine.
Molecular consequence: missense variant. On other transcripts: non-coding transcript variant (1).
Genome position (GRCh38, 1-based): chr2:222,630,113, G>A on the plus strand (C>T on the coding strand, the complement: FARSB is on the minus strand). VCF-style: chr2-222630113-G-A. GRCh37 (hg19) VCF-style: chr2-223494832-G-A.
Other names: short protein forms T283M.
Identifiers: ClinVar variation 2158051 (VCV002158051.4), dbSNP rs759915281, ClinGen allele CA2136535.

ClinVar aggregate classification (germline): Uncertain significance (1 of 4 stars; one submission).

Allele frequency attached by ClinVar (database versions not stated): ExAC 0.00001; gnomAD 0.00001.
gnomAD v4.1: 17 of 1,539,940 alleles (0.0011%); highest among the groups gnomAD compares: African/African-American, 0.0014%; no homozygotes.

Submission:

Labcorp Genetics (formerly Invitae), Labcorp
Classification: Uncertain significance. Last evaluated: 2024-10-16. Review status: criteria provided, single submitter. Criteria: Invitae Variant Classification Sherloc (09022015). Collection method: clinical testing. Allele origin: germline.
Comment: This sequence change replaces threonine, which is neutral and polar, with methionine, which is neutral and non-polar, at codon 283 of the FARSB protein (p.Thr283Met). This variant is present in population databases (rs759915281, gnomAD 0.001%). This variant has not been reported in the literature in individuals affected with FARSB-related conditions. ClinVar contains an entry for this variant (Variation ID: 2158051). An algorithm developed to predict the effect of missense changes on protein structure and function outputs the following: PolyPhen-2: "Benign". The methionine amino acid residue is found in multiple mammalian species, which suggests that this missense change does not adversely affect protein function. Algorithms developed to predict the effect of sequence changes on RNA splicing suggest that this variant may disrupt the consensus splice site. In summary, the available evidence is currently insufficient to determine the role of this variant in disease. Therefore, it has been classified as a Variant of Uncertain Significance.